The following is an entry in ClinVar:

ClinVar aggregate classification (germline): Uncertain significance (1 of 4 stars; one submission).

Conditions:
Emery-Dreifuss muscular dystrophy 4, autosomal dominant (EDMD4). Also called: EMERY-DREIFUSS MUSCULAR DYSTROPHY 4 WITH VARIABLE FEATURES. Identifiers: Orphanet 261, MedGen C2751807, MONDO:0013071, OMIM 612998.
Autosomal recessive ataxia, Beauce type. Also called: SYNE1 Deficiency; Spinocerebellar ataxia, autosomal recessive 8; ATAXIA, RECESSIVE, OF BEAUCE; SYNE1-Related Autosomal Recessive Cerebellar Ataxia. Identifiers: Orphanet 88644, MedGen C1853116, MONDO:0012549, OMIM 610743.

Submission:

Labcorp Genetics (formerly Invitae), Labcorp
Classification: Uncertain significance for Emery-Dreifuss muscular dystrophy 4, autosomal dominant; Autosomal recessive ataxia, Beauce type. Last evaluated: 2021-12-24. Review status: criteria provided, single submitter. Criteria: Invitae Variant Classification Sherloc (09022015). Collection method: clinical testing. Allele origin: germline.
Comment: This sequence change replaces glycine, which is neutral and non-polar, with aspartic acid, which is acidic and polar, at codon 956 of the SYNE1 protein (p.Gly956Asp). This variant is not present in population databases (gnomAD no frequency). This variant has not been reported in the literature in individuals affected with SYNE1-related conditions. Algorithms developed to predict the effect of missense changes on protein structure and function (SIFT, PolyPhen-2, Align-GVGD) all suggest that this variant is likely to be tolerated. In summary, the available evidence is currently insufficient to determine the role of this variant in disease. Therefore, it has been classified as a Variant of Uncertain Significance.

NM_182961.4(SYNE1):c.2846G>A (p.Gly949Asp)

Gene: SYNE1 (spectrin repeat containing nuclear envelope protein 1; minus strand). Cytogenetic location: 6q25.2.
Variant type: single nucleotide variant.
Coding change: c.2846G>A on transcript NM_182961.4 (MANE Select); coding-DNA position 2846, G replaced by A.
Protein change: p.Gly949Asp; replaces glycine 949 with aspartic acid.
Molecular consequence: missense variant.
Genome position (GRCh38, 1-based): chr6:152,455,472, C>T on the plus strand (G>A on the coding strand, the complement: SYNE1 is on the minus strand). VCF-style: chr6-152455472-C-T. GRCh37 (hg19) VCF-style: chr6-152776607-C-T.
Other names: c.2867G>A, p.Gly956Asp (NM_033071.5); short protein forms G949D, G956D.
Identifiers: ClinVar variation 2057491 (VCV002057491.4), dbSNP rs2502403702, ClinGen allele CA366110392.